The following is an entry in ClinVar:

ClinVar aggregate classification (germline): Pathogenic (1 of 4 stars; one submission).

Conditions:
Hereditary hemorrhagic telangiectasia (HHT). Also called: Osler hemorrhagic telangiectasia syndrome; ORW DISEASE; Osler Weber Rendu syndrome; OSLER-RENDU-WEBER DISEASE. Identifiers: Orphanet 774, MedGen C0039445, MONDO:0019180. Disease mechanism: loss of function.

Submission:

Labcorp Genetics (formerly Invitae), Labcorp
Classification: Pathogenic for Hereditary hemorrhagic telangiectasia. Last evaluated: 2020-09-16. Review status: criteria provided, single submitter. Criteria: Invitae Variant Classification Sherloc (09022015). Collection method: clinical testing. Allele origin: germline.
Comment: This sequence change creates a premature translational stop signal (p.Phe127Hisfs*23) in the ENG gene. It is expected to result in an absent or disrupted protein product. For these reasons, this variant has been classified as Pathogenic. Loss-of-function variants in ENG are known to be pathogenic (PMID: 15879500). This variant has not been reported in the literature in individuals with ENG-related conditions. This variant is not present in population databases (ExAC no frequency).

Literature cited by the submitters: PubMed 15879500.

NM_001114753.3(ENG):c.375_378dup (p.Phe127fs)

Gene: ENG (endoglin; minus strand). Cytogenetic location: 9q34.11.
Variant type: Duplication.
Coding change: c.375_378dup on transcript NM_001114753.3 (MANE Select); coding-DNA positions 375 to 378, 4 bases duplicated (CACC; older notation c.375_378dupCACC).
Protein change: p.Phe127fs; shifts the reading frame from phenylalanine 127.
Molecular consequence: frameshift variant. On other transcripts: 5 prime UTR variant (1).
Genome position (GRCh38, 1-based): chr9:127,826,655-127,826,658, GGTG duplicated on the plus strand (CACC on the coding strand, the reverse complement: ENG is on the minus strand). VCF-style (leftmost placement, unchanged base first): chr9-127826654-A-AGGTG. GRCh37 (hg19) VCF-style: chr9-130588933-A-AGGTG.
Other names: c.375_378dup, p.Phe127Hisfs (NM_000118.4, NM_001406715.1); c.-172_-169dup (NM_001278138.2); short protein forms F127fs.
Identifiers: ClinVar variation 1073561 (VCV001073561.9), dbSNP rs2131890702, ClinGen allele CA2499219646.
Genomic context (GRCh38, chr9:127,826,654, plus strand): 5'-GGATCTGGGTCTTGGGGAAGGATGGCAGCTCTGTGGTGTTGACCCCCGGGGGCTCTTGGA[A>AGGTG]GGTGACCAGGCTGGAATTCTGGGGAGACATGTGGAGGCTCAGCACGCTGTTCCTGGCCCT-3'